The following is an entry in ClinVar:

ClinVar aggregate classification (germline): Likely benign. Review status: criteria provided, multiple submitters, no conflicts (2 of 4 stars). 2 submissions from 2 submitters: Likely benign (2). Last evaluated 2024-08-06.

Allele frequency attached by ClinVar (database versions not stated): ExAC 0.00003; gnomAD 0.00003; TOPMed 0.00003; gnomAD exomes 0.00004; ESP Exome Variant Server 0.00015.
gnomAD v4.1: 73 of 1,612,984 alleles (0.0045%); highest among the groups gnomAD compares: Non-Finnish European, 0.0054%; no homozygotes.

Submissions (2):

Labcorp Genetics (formerly Invitae), Labcorp
Classification: Likely benign. Last evaluated: 2024-08-06. Review status: criteria provided, single submitter. Criteria: Invitae Variant Classification Sherloc (09022015). Collection method: clinical testing. Allele origin: germline.

CeGaT Center for Human Genetics Tuebingen
Classification: Likely benign. Last evaluated: 2024-05-01. Review status: criteria provided, single submitter. Criteria: CeGaT Center For Human Genetics Tuebingen Variant Classification Criteria Version 2. Collection method: clinical testing. Allele origin: germline. Affected: yes. Observed: 1 variant allele.
Comment: NARS2: BP4, BP7

NM_024678.6(NARS2):c.636T>C (p.Asn212=)

Gene: NARS2 (asparaginyl-tRNA synthetase 2, mitochondrial; minus strand). Cytogenetic location: 11q14.1.
Variant type: single nucleotide variant.
Coding change: c.636T>C on transcript NM_024678.6 (MANE Select); coding-DNA position 636, T replaced by C.
Protein change: p.Asn212=; no amino-acid change (asparagine 212 retained).
Molecular consequence: synonymous variant. On other transcripts: 5 prime UTR variant (1).
Genome position (GRCh38, 1-based): chr11:78,528,895, A>G on the plus strand (T>C on the coding strand, the complement: NARS2 is on the minus strand). VCF-style: chr11-78528895-A-G. GRCh37 (hg19) VCF-style: chr11-78239941-A-G.
Other names: c.-46T>C (NM_001243251.2, NM_001425310.1, NM_001425312.1 and 2 more transcripts); c.636T>C, p.Asn212= (NM_001425299.1, NM_001425300.1, NM_001425301.1 and 4 more transcripts); c.555T>C, p.Asn185= (NM_001425302.1, NM_001425303.1); c.405T>C, p.Asn135= (NM_001425308.1).
Identifiers: ClinVar variation 3239326 (VCV003239326.21), dbSNP rs143606824.